The following is an entry in ClinVar:

NM_001083962.2(TCF4):c.643T>G (p.Phe215Val)

Gene: TCF4 (transcription factor 4; minus strand). Cytogenetic location: 18q21.2.
Variant type: single nucleotide variant.
Coding change: c.643T>G on transcript NM_001083962.2 (MANE Select); coding-DNA position 643, T replaced by G.
Protein change: p.Phe215Val; replaces phenylalanine 215 with valine.
Molecular consequence: missense variant. On other transcripts: 5 prime UTR variant (1).
Genome position (GRCh38, 1-based): chr18:55,279,563, A>C on the plus strand (T>G on the coding strand, the complement: TCF4 is on the minus strand). VCF-style: chr18-55279563-A-C. GRCh37 (hg19) VCF-style: chr18-52946794-A-C.
Other names: c.949T>G, p.Phe317Val (NM_001243226.3); c.571T>G, p.Phe191Val (NM_001243227.2, NM_001306207.1, NM_001348217.1 and 9 more transcripts); c.661T>G, p.Phe221Val (NM_001243228.2); c.637T>G, p.Phe213Val (NM_001243230.2); c.517T>G, p.Phe173Val (NM_001243231.2, NM_001348211.2); c.430T>G, p.Phe144Val (NM_001243232.1, NM_001306208.1); c.253T>G, p.Phe85Val (NM_001243233.2, NM_001330605.3, NM_001348212.2 and 1 more transcripts); c.163T>G, p.Phe55Val (NM_001243234.2, NM_001243235.2, NM_001243236.2 and 2 more transcripts); and 4 more; short protein forms F215V, F190V, F191V, F85V, F173V, F214V, F221V, F317V.
Identifiers: ClinVar variation 536802 (VCV000536802.7), dbSNP rs1170209002, ClinGen allele CA402701737.

ClinVar aggregate classification (germline): Uncertain significance (1 of 4 stars; one submission).

Conditions:
Pitt-Hopkins syndrome (PTHS). Also called: ENCEPHALOPATHY, SEVERE EPILEPTIC, WITH AUTONOMIC DYSFUNCTION; MENTAL RETARDATION, SYNDROMAL, WITH INTERMITTENT HYPERVENTILATION. Identifiers: Orphanet 2896, MedGen C1970431, MONDO:0012589, OMIM 610954.

Allele frequency attached by ClinVar (database versions not stated): gnomAD exomes below 0.00001; TOPMed below 0.00001.
gnomAD v4.1: 1 of 1,613,914 alleles (0.000062%); highest among the groups gnomAD compares: African/African-American, 0.0013%; no homozygotes.

Submission:

Labcorp Genetics (formerly Invitae), Labcorp
Classification: Uncertain significance for Pitt-Hopkins syndrome. Last evaluated: 2017-10-19. Review status: criteria provided, single submitter. Criteria: Invitae Variant Classification Sherloc (09022015). Collection method: clinical testing. Allele origin: germline.
Comment: In summary, the available evidence is currently insufficient to determine the role of this variant in disease. Therefore, it has been classified as a Variant of Uncertain Significance. Algorithms developed to predict the effect of missense changes on protein structure and function do not agree on the potential impact of this missense change (SIFT: "Tolerated"; PolyPhen-2: "Probably Damaging"; Align-GVGD: "Class C0"). This variant has not been reported in the literature in individuals with TCF4-related disease. This variant is not present in population databases (ExAC no frequency). This sequence change replaces phenylalanine with valine at codon 215 of the TCF4 protein (p.Phe215Val). The phenylalanine residue is highly conserved and there is a small physicochemical difference between phenylalanine and valine.